The following is an entry in ClinVar:

NM_004655.4(AXIN2):c.2406G>C (p.Arg802Ser)

Gene: AXIN2 (axin 2; minus strand). Cytogenetic location: 17q24.1.
Variant type: single nucleotide variant.
Coding change: c.2406G>C on transcript NM_004655.4 (MANE Select); coding-DNA position 2406, G replaced by C.
Protein change: p.Arg802Ser; replaces arginine 802 with serine.
Molecular consequence: missense variant.
Genome position (GRCh38, 1-based): chr17:65,530,102, C>G on the plus strand (G>C on the coding strand, the complement: AXIN2 is on the minus strand). VCF-style: chr17-65530102-C-G. GRCh37 (hg19) VCF-style: chr17-63526220-C-G.
Other names: c.2211G>C, p.Arg737Ser (NM_001363813.1); short protein forms R737S, R802S.
Identifiers: ClinVar variation 4843050 (VCV004843050.1).

ClinVar aggregate classification (germline): Uncertain significance (1 of 4 stars; one submission).

Conditions:
Hereditary cancer-predisposing syndrome. Also called: Neoplastic Syndromes, Hereditary; Tumor predisposition; Hereditary Cancer Syndrome; Hereditary neoplastic syndrome. Identifiers: Orphanet 140162, MedGen C0027672, MeSH D009386, MONDO:0015356.

Submission:

Ambry Genetics
Classification: Uncertain significance for Hereditary cancer-predisposing syndrome. Last evaluated: 2025-12-15. Review status: criteria provided, single submitter. Criteria: Ambry Variant Classification Scheme 2023. Collection method: clinical testing. Allele origin: germline.
Comment: The p.R802S variant (also known as c.2406G>C) is located in coding exon 10 of the AXIN2 gene. The arginine at codon 802 is replaced by serine, an amino acid with dissimilar properties. This change occurs in the first base pair of coding exon 10. This amino acid position is conserved. In addition, this alteration is predicted to be deleterious by in silico analysis. Based on the available evidence, the clinical significance of this variant remains unclear.